The following is an entry in ClinVar:

ClinVar aggregate classification (germline): Uncertain significance (1 of 4 stars; one submission).

Conditions:
Isolated microphthalmia 5. Also called: Posterior Microphthalmia with Retinitis Pigmentosa, Foveoschisis, and Optic Disc Drusen. Identifiers: Orphanet 251279, MedGen C1970236, MONDO:0012605, OMIM 611040.

Allele frequency attached by ClinVar (database versions not stated): gnomAD exomes below 0.00001.
gnomAD v4.1: 1 of 1,613,442 alleles (0.000062%); highest among the groups gnomAD compares: East Asian, 0.0022%; no homozygotes.

Submission:

Labcorp Genetics (formerly Invitae), Labcorp
Classification: Uncertain significance for Isolated microphthalmia 5. Last evaluated: 2022-03-29. Review status: criteria provided, single submitter. Criteria: Invitae Variant Classification Sherloc (09022015). Collection method: clinical testing. Allele origin: germline.
Comment: In summary, the available evidence is currently insufficient to determine the role of this variant in disease. Therefore, it has been classified as a Variant of Uncertain Significance. Algorithms developed to predict the effect of missense changes on protein structure and function (SIFT, PolyPhen-2, Align-GVGD) all suggest that this variant is likely to be tolerated. This variant has not been reported in the literature in individuals affected with MFRP-related conditions. This variant is not present in population databases (gnomAD no frequency). This sequence change replaces serine, which is neutral and polar, with threonine, which is neutral and polar, at codon 424 of the MFRP protein (p.Ser424Thr).

NM_031433.4(MFRP):c.1271G>C (p.Ser424Thr)

Genes: C1QTNF5 (C1q and TNF related 5; minus strand), MFRP (membrane frizzled-related protein; minus strand). Cytogenetic location: 11q23.3.
Variant type: single nucleotide variant.
Coding change: c.1271G>C on transcript NM_031433.4 (MANE Select); coding-DNA position 1271, G replaced by C.
Protein change: p.Ser424Thr; replaces serine 424 with threonine.
Molecular consequence: missense variant. On other transcripts: 5 prime UTR variant (1).
Genome position (GRCh38, 1-based): chr11:119,342,712, C>G on the plus strand (G>C on the coding strand, the complement: MFRP is on the minus strand). VCF-style: chr11-119342712-C-G. GRCh37 (hg19) VCF-style: chr11-119213422-C-G.
Other names: c.-1366G>C (NM_015645.5); short protein forms S424T.
Identifiers: ClinVar variation 1494720 (VCV001494720.7), dbSNP rs1360212514, ClinGen allele CA382973925.
Genomic context (GRCh38, chr11:119,342,712, plus strand): 5'-CTCCACATGTCACACATCCACTGCACACCCTTACACCCTCCTGCCTGGCAGGAGAGCTCA[C>G]TGGGCCCACAGGGGTCTGCAGGCACAAGGGGCATGGCAGTGCCCGGGGACATACCTACAC-3'
Protein context (NP_113621.1, residues 414-434): FNATENPCGP[Ser424Thr]ELSCQAGGCK